The following is an entry in ClinVar:

GRCh38/hg38 5q15(chr5:94397524-94624077)x1

Genes: KIAA0825 (KIAA0825; minus strand), SLF1 (SMC5/6 complex localization factor 1; plus strand), LOC126807453 (BRD4-independent group 4 enhancer GRCh37_chr5:93800512-93801711; plus strand), LOC129994218 (ATAC-STARR-seq lymphoblastoid active region 22791; plus strand), LOC129994219 (ATAC-STARR-seq lymphoblastoid active region 22792; plus strand). Cytogenetic location: 5q15.
Variant type: copy number loss.
Change: copy number 1 (one copy instead of two) of chr5:94,397,524-94,624,077 (226.6 kb, GRCh38 coordinates, 1-based), cytogenetic band 5q15.
Identifiers: ClinVar variation 4796414 (VCV004796414.1).

ClinVar aggregate classification (germline): Uncertain significance (1 of 4 stars; one submission).

Submission:

Medical Genetic Center, Changzhi Maternal and Child Health Care Hospital
Classification: Uncertain significance. Last evaluated: 2025-12-10. Review status: criteria provided, single submitter. Criteria: ACMG/ClinGen CNV Guidelines, 2019. Collection method: clinical testing. Allele origin: unknown.